The following is an entry in ClinVar:

NM_018136.5(ASPM):c.2838A>T (p.Leu946Phe)

Gene: ASPM (assembly factor for spindle microtubules; minus strand). Cytogenetic location: 1q31.3.
Variant type: single nucleotide variant.
Coding change: c.2838A>T on transcript NM_018136.5 (MANE Select); coding-DNA position 2838, A replaced by T.
Protein change: p.Leu946Phe; replaces leucine 946 with phenylalanine.
Molecular consequence: missense variant.
Genome position (GRCh38, 1-based): chr1:197,128,588, T>A on the plus strand (A>T on the coding strand, the complement: ASPM is on the minus strand). VCF-style: chr1-197128588-T-A. GRCh37 (hg19) VCF-style: chr1-197097718-T-A.
Other names: c.2838A>T, p.Leu946Phe (NM_001206846.2); short protein forms L946F.
Identifiers: ClinVar variation 1713844 (VCV001713844.5), dbSNP rs1658162301, ClinGen allele CA344048919.
Genomic context (GRCh38, chr1:197,128,588, plus strand): 5'-TGTAACGGCAAAATCAAATTCATCAAATGGTGTCTGAACATGGTTAACAGGTAATCCCAA[T>A]AAGCCAAGGTGACGGGAAAGGTCACCTTCACCACTTAGGAAATCTCGTGAAAAAGCCAAA-3'
Protein context (NP_060606.3, residues 936-956): GEGDLSRHLG[Leu946Phe]LGLPVNHVQT

ClinVar aggregate classification (germline): Uncertain significance (1 of 4 stars; one submission).

Allele frequency attached by ClinVar (database versions not stated): TOPMed below 0.00001; gnomAD 0.00001.
gnomAD v4.1: 1 of 1,613,632 alleles (0.000062%); highest among the groups gnomAD compares: Admixed American, 0.0017%; no homozygotes.

Submission:

Labcorp Genetics (formerly Invitae), Labcorp
Classification: Uncertain significance. Last evaluated: 2022-07-29. Review status: criteria provided, single submitter. Criteria: Invitae Variant Classification Sherloc (09022015). Collection method: clinical testing. Allele origin: germline.
Comment: This sequence change replaces leucine, which is neutral and non-polar, with phenylalanine, which is neutral and non-polar, at codon 946 of the ASPM protein (p.Leu946Phe). This variant is not present in population databases (gnomAD no frequency). This variant has not been reported in the literature in individuals affected with ASPM-related conditions. Algorithms developed to predict the effect of missense changes on protein structure and function output the following: SIFT: "Tolerated"; PolyPhen-2: "Benign"; Align-GVGD: "Class C0". The phenylalanine amino acid residue is found in multiple mammalian species, which suggests that this missense change does not adversely affect protein function. In summary, the available evidence is currently insufficient to determine the role of this variant in disease. Therefore, it has been classified as a Variant of Uncertain Significance.